The following is an entry in ClinVar:

GRCh38/hg38 5q15(chr5:97712762-97763616)x1

Variant type: Deletion.
Change: copy number 1 (one copy instead of two) of chr5:97,712,762-97,763,616 (50.9 kb, GRCh38 coordinates, 1-based), cytogenetic band 5q15.
Identifiers: ClinVar variation 156982 (VCV000156982.2).

ClinVar aggregate classification (germline): Benign. Review status: criteria provided, single submitter (1 of 4 stars). 2 submissions from 2 submitters: Benign (1). 1 of the submissions does not count toward it. Last evaluated 2015-01-07.

Conditions:
Premature ovarian insufficiency (POF). Also called: Premature ovarian failure. Identifiers: MedGen C4303540, HP:0008209.
Large for gestational age. Identifiers: MedGen C1848395, HP:0001520.

Submissions (2):

Department of Biotechnology, Institute of Molecular and Cell Biology, University of Tartu
Classification: Benign for Primary ovarian failure. Last evaluated: 2015-01-07. Review status: criteria provided, single submitter. Criteria: ACMG CNV Guidelines, 2011. Collection method: reference population. Allele origin: unknown. Affected: yes. Observed: 5 variant alleles.

Institute of Molecular and Cell Biology, University of Tartu
No classification provided. Condition: Large for gestational age. Review status: no classification provided. Collection method: case-control. Allele origin: unknown. Affected: yes. Study: Kasak2014. Not counted in ClinVar's aggregate classification.
Comment: The study aimed to determine the contribution of copy number variants in the genetic etiology of normal and complicated pregnancies. The samples represented (i) maternal blood DNA drawn from healthy pregnant women during 1st or 2nd trimester and (ii) maternal and paternal blood DNA drawn at term pregnancy cases representing normal and complicated gestations (severe preeclampsia, PE; gestational diabetes, GD; small-for-gestational age newborn, SGA; large-for-gestational age newborn, LGA). We performed CNV calling based on genome-wide genotyping dataset (Illumina HumanOmniExpress-24-v1 BeadChip) by applying three algorithms, QuantiSNP, GADA (Genome Alteration Detection Algorithm) and CNstream in parallel. The acquired CNV calls were merged with HD-CNV (Hotspot Detector for Copy Number Variants) program and only the CNVs predicted by at least two programs, were considered in subsequent analysis.

Literature cited by the submitters: PubMed 25666259 (cited by Institute of Molecular and Cell Biology, University of Tartu).